The following is an entry in ClinVar:

ClinVar aggregate classification (germline): Pathogenic. Review status: criteria provided, multiple submitters, no conflicts (2 of 4 stars). 10 submissions from 10 submitters: Pathogenic (8). 2 of the submissions do not count toward it. Last evaluated 2026-08-06.

Conditions:
AR-related disorders.
Differences in sex development.
Androgen resistance syndrome (AIS). Also called: Androgen insensitivity, complete; DHTR DEFICIENCY; Androgen insensitivity syndrome; Androgen insensitivity syndrome due to coactivator deficiency; TESTICULAR FEMINIZATION SYNDROME; ANDROGEN RECEPTOR DEFICIENCY. Identifiers: Orphanet 754, Orphanet 99429, MedGen C0039585, MONDO:0019154, OMIM 300068. Disease mechanism: loss of function.
Kennedy disease (SMAX1). Also called: Spinal and Bulbar Muscular Atrophy; KENNEDY SPINAL AND BULBAR MUSCULAR ATROPHY; SPINAL AND BULBAR MUSCULAR ATROPHY, X-LINKED 1. Identifiers: Orphanet 481, MedGen C1839259, MONDO:0010735, OMIM 313200.
Inborn genetic diseases. Identifiers: MedGen C0950123, MeSH D030342.

Submissions (10):

NHS Central & South Genomic Laboratory Hub
Classification: Pathogenic for Differences in sex development. Last evaluated: 2026-08-06. Review status: criteria provided, single submitter. Criteria: ACMG Guidelines, 2015. Collection method: clinical testing. Allele origin: germline. Affected: yes.

Cambridge Genomics Laboratory, East Genomic Laboratory Hub, NHS Genomic Medicine Service
Classification: Pathogenic for Differences in sex development. Last evaluated: 2026-05-19. Review status: criteria provided, single submitter. Criteria: ACGS Best Practice Guidelines for Variant Classification in Rare Disease 2020. Collection method: clinical testing. Allele origin: germline. Affected: yes.
Comment: PS3_Supporting,PS4_Moderate,PM2,PP1_Strong,PP3,PP4

Labcorp Genetics (formerly Invitae), Labcorp
Classification: Pathogenic for Kennedy disease; Androgen resistance syndrome. Last evaluated: 2025-07-19. Review status: criteria provided, single submitter. Criteria: Invitae Variant Classification Sherloc (09022015). Collection method: clinical testing. Allele origin: germline.
Comment: This sequence change replaces aspartic acid, which is acidic and polar, with asparagine, which is neutral and polar, at codon 696 of the AR protein (p.Asp696Asn). This variant is not present in population databases (gnomAD no frequency). This missense change has been observed in individual(s) with complete androgen insensitivity syndrome (PMID: 1775137, 31499074). It has also been observed to segregate with disease in related individuals. This variant is also known as Asp686Asn. ClinVar contains an entry for this variant (Variation ID: 492787). Invitae Evidence Modeling of protein sequence and biophysical properties (such as structural, functional, and spatial information, amino acid conservation, physicochemical variation, residue mobility, and thermodynamic stability) indicates that this missense variant is expected to disrupt AR protein function with a positive predictive value of 80%. Experimental studies have shown that this missense change affects AR function (PMID: 1775137). This variant disrupts the p.Asp696 amino acid residue in AR. Other variant(s) that disrupt this residue have been observed in individuals with AR-related conditions (PMID: 1775137, 9554754), which suggests that this may be a clinically significant amino acid residue. For these reasons, this variant has been classified as Pathogenic.

Ambry Genetics
Classification: Pathogenic for Inborn genetic diseases. Last evaluated: 2024-12-10. Review status: criteria provided, single submitter. Criteria: Ambry Variant Classification Scheme 2023. Collection method: clinical testing. Allele origin: germline.
Comment: The c.2086G>A (p.D696N) alteration is located in exon 1 (coding exon 1) of the AR gene. This alteration results from a G to A substitution at nucleotide position 2086, causing the aspartic acid (D) at amino acid position 696 to be replaced by an asparagine (N). for AR-related androgen insensitivity syndrome; however, it is unlikely to be causative of AR-related spinal and bulbar muscular atrophy. This variant was not reported in population-based cohorts in the Genome Aggregation Database (gnomAD). This variant was identified in one or more individuals with features consistent with androgen insensitivity syndrome (Liu, 2023; Yuan, 2024; Eggers, 2016; Kharrat, 2019; Audi, 2024; Kolesinka, 2018; Cheikhelard, 2008; external communication) and segregated with disease in at least one family (Ris-Stalpers, 1991). Other variant(s) at the same codon, c.2086G>C (p.D696H), c.2086G>T (p.D696Y), and c.2087A>T (p.D696V), have been identified in individual(s) with features consistent with androgen insensitivity syndrome (Ris-Stalpers, 1991; Audi, 2010; D&ouml;rk, 1998). This amino acid position is highly conserved in available vertebrate species. In an assay testing AR function, this variant showed a functionally abnormal result (Ris-Stalpers, 1991). The in silico prediction for this alteration is inconclusive. Based on the available evidence, this alteration is classified as pathogenic.

Baylor Genetics
Classification: Pathogenic for Androgen resistance syndrome. Last evaluated: 2023-08-05. Review status: criteria provided, single submitter. Criteria: ACMG Guidelines, 2015. Collection method: clinical testing. Allele origin: unknown.

GeneDx
Classification: Pathogenic. Last evaluated: 2022-12-22. Review status: criteria provided, single submitter. Criteria: GeneDx Variant Classification Process June 2021. Collection method: clinical testing. Allele origin: germline. Affected: yes.
Comment: Published functional studies demonstrate a damaging effect on ligand-binding affinity and transcriptional activity (Ris-Stalpers et al., 1991) Ris-Stalpers C et al. (1991) Mol Endocrinol 5 (10):1562-9 (PMID: 1775137); Not observed at significant frequency in large population cohorts (gnomAD); In silico analysis supports that this missense variant has a deleterious effect on protein structure/function; Missense variants in this gene are often considered pathogenic (HGMD); This variant is associated with the following publications: (PMID: 27899157, 31499074, 17054461, 9627582, 15531547, 18710728, 20150575, 30496128, 22334387, 1775137)

Clinical Genetics Laboratory, Skane University Hospital Lund
Classification: Pathogenic. Last evaluated: 2022-07-13. Review status: criteria provided, single submitter. Criteria: ACMG Guidelines, 2015. Collection method: clinical testing. Allele origin: germline. Affected: yes.

Blueprint Genetics
Classification: Pathogenic for AR-related disorders. Last evaluated: 2019-11-05. Review status: criteria provided, single submitter. Criteria: ACMG Guidelines, 2015. Collection method: clinical testing. Allele origin: germline. Affected: yes. Observed: 2 variant alleles.

Molecular Genetics Laboratory, BC Children's and BC Women's Hospitals
Classification: Likely pathogenic for Androgen resistance syndrome. Last evaluated: 2022-09-15. Review status: no assertion criteria provided. Criteria: ACMG Guidelines, 2015. Collection method: clinical testing. Allele origin: germline. Affected: yes. Not counted in ClinVar's aggregate classification.

Clinical Molecular Genetics Laboratory, Johns Hopkins All Children's Hospital
Classification: Pathogenic for Androgen resistance syndrome. Last evaluated: 2010-03-10. Review status: no assertion criteria provided. Collection method: clinical testing. Allele origin: germline. Affected: yes. Not counted in ClinVar's aggregate classification.

Literature cited by the submitters: PubMed 1775137 (cited by Labcorp Genetics (formerly Invitae), Labcorp and Ambry Genetics); PubMed 31499074 (cited by Labcorp Genetics (formerly Invitae), Labcorp and Ambry Genetics); PubMed 9554754 (cited by Labcorp Genetics (formerly Invitae), Labcorp and Ambry Genetics); PubMed 18710728 (cited by Ambry Genetics); PubMed 20150575 (cited by Ambry Genetics); PubMed 27899157 (cited by Ambry Genetics); PubMed 30496128 (cited by Ambry Genetics); PubMed 35974208 (cited by Ambry Genetics); PubMed 38938059 (cited by Ambry Genetics).

NM_000044.6(AR):c.2086G>A (p.Asp696Asn)

Gene: AR (androgen receptor; plus strand). Cytogenetic location: Xq12.
Variant type: single nucleotide variant.
Coding change: c.2086G>A on transcript NM_000044.6 (MANE Select); coding-DNA position 2086, G replaced by A.
Protein change: p.Asp696Asn; replaces aspartic acid 696 with asparagine.
Molecular consequence: missense variant.
Genome position (GRCh38, 1-based): chrX:67,711,602, G>A. VCF-style: chrX-67711602-G-A. GRCh37 (hg19) VCF-style: chrX-66931444-G-A.
Other names: c.2086G>A (NM_000044.3, NM_000044.2); c.490G>A, p.Asp164Asn (NM_001011645.3); short protein forms D696N, D164N.
Identifiers: ClinVar variation 492787 (VCV000492787.16), dbSNP rs1555995840, ClinGen allele CA413423381.